The following is an entry in ClinVar:

NM_001358921.2(COQ2):c.784A>G (p.Ile262Val)

Gene: COQ2 (coenzyme Q2, polyprenyltransferase; minus strand). Cytogenetic location: 4q21.23.
Variant type: single nucleotide variant.
Coding change: c.784A>G on transcript NM_001358921.2 (MANE Select); coding-DNA position 784, A replaced by G.
Protein change: p.Ile262Val; replaces isoleucine 262 with valine.
Molecular consequence: missense variant.
Genome position (GRCh38, 1-based): chr4:83,267,753, T>C on the plus strand (A>G on the coding strand, the complement: COQ2 is on the minus strand). VCF-style: chr4-83267753-T-C. GRCh37 (hg19) VCF-style: chr4-84188906-T-C.
Other names: c.934A>G, p.Ile312Val (NM_015697.9); short protein forms I312V, I262V.
Identifiers: ClinVar variation 1919766 (VCV001919766.2), dbSNP rs772662878, ClinGen allele CA2988505.
Genomic context (GRCh38, chr4:83,267,753, plus strand): 5'-AGCCGCTGAGCCACGGCTTGGTATTTTCTCCGAACCGCAGAGCCGTTGACTTAAGACCAA[T>C]CAAAACATCATCTCTTTTGTCCTAATATCAGAAAGAAAAATAAACTGTTTTTTGAGATTT-3'
Protein context (NP_001345850.1, residues 252-272): AHQDKRDDVL[Ile262Val]GLKSTALRFG

ClinVar aggregate classification (germline): Uncertain significance (1 of 4 stars; one submission).

Allele frequency attached by ClinVar (database versions not stated): gnomAD 0.00001; TOPMed 0.00001; gnomAD exomes 0.00002; ExAC 0.00018.
gnomAD v4.1: 23 of 1,549,864 alleles (0.0015%); highest among the groups gnomAD compares: Middle Eastern, 0.034%; 1 homozygote.

Submission:

Labcorp Genetics (formerly Invitae), Labcorp
Classification: Uncertain significance. Last evaluated: 2022-03-29. Review status: criteria provided, single submitter. Criteria: Invitae Variant Classification Sherloc (09022015). Collection method: clinical testing. Allele origin: germline.
Comment: This sequence change replaces isoleucine, which is neutral and non-polar, with valine, which is neutral and non-polar, at codon 312 of the COQ2 protein (p.Ile312Val). This variant is present in population databases (rs772662878, gnomAD 0.05%), including at least one homozygous and/or hemizygous individual. This variant has not been reported in the literature in individuals affected with COQ2-related conditions. Algorithms developed to predict the effect of missense changes on protein structure and function (SIFT, PolyPhen-2, Align-GVGD) all suggest that this variant is likely to be tolerated. In summary, the available evidence is currently insufficient to determine the role of this variant in disease. Therefore, it has been classified as a Variant of Uncertain Significance.